The following is an entry in ClinVar:

NM_017841.4(SDHAF2):c.19T>C (p.Phe7Leu)

Gene: SDHAF2 (succinate dehydrogenase complex assembly factor 2; plus strand). Cytogenetic location: 11q12.2.
Variant type: single nucleotide variant.
Coding change: c.19T>C on transcript NM_017841.4 (MANE Select); coding-DNA position 19, T replaced by C.
Protein change: p.Phe7Leu; replaces phenylalanine 7 with leucine.
Molecular consequence: missense variant.
Genome position (GRCh38, 1-based): chr11:61,430,165, T>C. VCF-style: chr11-61430165-T-C. GRCh37 (hg19) VCF-style: chr11-61197637-T-C.
Other names: short protein forms F7L.
Identifiers: ClinVar variation 2055642 (VCV002055642.5), dbSNP rs2540110932, ClinGen allele CA380680164.

ClinVar aggregate classification (germline): Uncertain significance. Review status: criteria provided, multiple submitters, no conflicts (2 of 4 stars). 2 submissions from 2 submitters: Uncertain significance (2). Last evaluated 2024-09-08.

Conditions:
Hereditary pheochromocytoma and paraganglioma. Also called: Hereditary paragangliomas and pheochromocytomas; Hereditary Paraganglioma-Pheochromocytoma Syndromes; Hereditary pheochromocytoma-paraganglioma. Identifiers: Orphanet 29072, MedGen C4274332, MONDO:0017366.
Hereditary cancer-predisposing syndrome. Also called: Tumor predisposition; Hereditary Cancer Syndrome; Hereditary neoplastic syndrome; Neoplastic Syndromes, Hereditary. Identifiers: Orphanet 140162, MedGen C0027672, MeSH D009386, MONDO:0015356.

Submissions (2):

Ambry Genetics
Classification: Uncertain significance for Hereditary cancer-predisposing syndrome. Last evaluated: 2024-09-08. Review status: criteria provided, single submitter. Criteria: Ambry Variant Classification Scheme 2023. Collection method: clinical testing. Allele origin: germline.
Comment: The p.F7L variant (also known as c.19T>C), located in coding exon 1 of the SDHAF2 gene, results from a T to C substitution at nucleotide position 19. The phenylalanine at codon 7 is replaced by leucine, an amino acid with highly similar properties. This amino acid position is conserved. In addition, this alteration is predicted to be tolerated by in silico analysis. Based on the available evidence, the clinical significance of this variant remains unclear.

Labcorp Genetics (formerly Invitae), Labcorp
Classification: Uncertain significance for Hereditary pheochromocytoma and paraganglioma. Last evaluated: 2023-08-10. Review status: criteria provided, single submitter. Criteria: Invitae Variant Classification Sherloc (09022015). Collection method: clinical testing. Allele origin: germline.
Comment: This variant is not present in population databases (gnomAD no frequency). In summary, the available evidence is currently insufficient to determine the role of this variant in disease. Therefore, it has been classified as a Variant of Uncertain Significance. Algorithms developed to predict the effect of missense changes on protein structure and function output the following: SIFT: "Not Available"; PolyPhen-2: "Benign"; Align-GVGD: "Not Available". The leucine amino acid residue is found in multiple mammalian species, which suggests that this missense change does not adversely affect protein function. ClinVar contains an entry for this variant (Variation ID: 2055642). This variant has not been reported in the literature in individuals affected with SDHAF2-related conditions. This sequence change replaces phenylalanine, which is neutral and non-polar, with leucine, which is neutral and non-polar, at codon 7 of the SDHAF2 protein (p.Phe7Leu).